The following is an entry in ClinVar:

NM_000027.4(AGA):c.1023A>G (p.Glu341=)

Gene: AGA (aspartylglucosaminidase; minus strand). Cytogenetic location: 4q34.3.
Variant type: single nucleotide variant.
Coding change: c.1023A>G on transcript NM_000027.4 (MANE Select); coding-DNA position 1023, A replaced by G.
Protein change: p.Glu341=; no amino-acid change (glutamic acid 341 retained).
Molecular consequence: synonymous variant. On other transcripts: non-coding transcript variant (1).
Genome position (GRCh38, 1-based): chr4:177,431,726, T>C on the plus strand (A>G on the coding strand, the complement: AGA is on the minus strand). VCF-style: chr4-177431726-T-C. GRCh37 (hg19) VCF-style: chr4-178352880-T-C.
Other names: c.993A>G, p.Glu331= (NM_001171988.2).
Identifiers: ClinVar variation 348228 (VCV000348228.44), dbSNP rs113407270, ClinGen allele CA3146718.

ClinVar aggregate classification (germline): Benign/Likely benign. Review status: criteria provided, multiple submitters, no conflicts (2 of 4 stars). 5 submissions from 5 submitters: Benign (2); Likely benign (2). 1 of the submissions does not count toward it. Last evaluated 2026-02-04.

Conditions:
Aspartylglucosaminuria (AGU). Also called: GLYCOASPARAGINASE; GLYCOSYLASPARAGINASE DEFICIENCY; AGA DEFICIENCY; Aspartylglucos-aminuria; Aspartylglucos-amidase (AGA) deficiency. Identifiers: Orphanet 93, MedGen C0268225, MONDO:0008830, OMIM 208400, HP:0012068.

Allele frequency attached by ClinVar (database versions not stated): 1000 Genomes Project 30x 0.00578; 1000 Genomes Project 0.00599; TOPMed 0.00765; gnomAD 0.00906 and 0.00929; gnomAD exomes 0.00951; ExAC 0.00980; ESP Exome Variant Server 0.01100.
gnomAD v4.1: 21,412 of 1,612,348 alleles (1.3%); highest among the groups gnomAD compares: Non-Finnish European, 1.6%; 170 homozygotes.

Submissions (5):

Labcorp Genetics (formerly Invitae), Labcorp
Classification: Benign for Aspartylglucosaminuria. Last evaluated: 2026-02-04. Review status: criteria provided, single submitter. Criteria: Invitae Variant Classification Sherloc (09022015). Collection method: clinical testing. Allele origin: germline.

Blueprint Genetics
Classification: Likely benign. Last evaluated: 2024-11-26. Review status: criteria provided, single submitter. Criteria: ACMG Guidelines, 2015. Collection method: clinical testing. Allele origin: germline.

CeGaT Center for Human Genetics Tuebingen
Classification: Benign. Last evaluated: 2024-07-01. Review status: criteria provided, single submitter. Criteria: CeGaT Center For Human Genetics Tuebingen Variant Classification Criteria Version 2. Collection method: clinical testing. Allele origin: germline. Affected: yes. Observed: 7 variant alleles.
Comment: AGA: BP4, BS1, BS2

GeneDx
Classification: Likely benign. Last evaluated: 2020-03-01. Review status: criteria provided, single submitter. Criteria: GeneDx Variant Classification Process June 2021. Collection method: clinical testing. Allele origin: germline. Affected: yes.

Natera, Inc.
Classification: Benign for Aspartylglucosaminuria. Last evaluated: 2020-04-16. Review status: no assertion criteria provided. Collection method: clinical testing. Allele origin: germline. Not counted in ClinVar's aggregate classification.